The following is an entry in ClinVar:

ClinVar aggregate classification (germline): Uncertain significance (1 of 4 stars; one submission).

Conditions:
Autosomal recessive limb-girdle muscular dystrophy type 2O. Also called: Limb-Girdle Muscular Dystrophy Type 3C; MUSCULAR DYSTROPHY-DYSTROGLYCANOPATHY (LIMB-GIRDLE), TYPE C, 3; MUSCULAR DYSTROPHY-DYSTROGLYCANOPATHY, LIMB-GIRDLE, POMGNT1-RELATED. Identifiers: Orphanet 206564, MedGen C3150417, MONDO:0013161, OMIM 613157.
Muscular dystrophy-dystroglycanopathy (congenital with impaired intellectual development), type B, 3. Also called: Muscular dystrophy-dystroglycanopathy (congenital with intellectual disability), type B3; MUSCULAR DYSTROPHY, CONGENITAL, POMGNT1-RELATED. Identifiers: MedGen C3150412, MONDO:0013155, OMIM 613151.

Allele frequency attached by ClinVar (database versions not stated): gnomAD exomes below 0.00001; gnomAD 0.00001; TOPMed 0.00001.
gnomAD v4.1: 4 of 1,614,026 alleles (0.00025%); highest among the groups gnomAD compares: African/African-American, 0.0027%; no homozygotes.

Submission:

Labcorp Genetics (formerly Invitae), Labcorp
Classification: Uncertain significance for Autosomal recessive limb-girdle muscular dystrophy type 2O; Muscular dystrophy-dystroglycanopathy (congenital with impaired intellectual development), type B, 3. Last evaluated: 2025-09-15. Review status: criteria provided, single submitter. Criteria: Invitae Variant Classification Sherloc (09022015). Collection method: clinical testing. Allele origin: germline.
Comment: This sequence change replaces arginine, which is basic and polar, with glutamine, which is neutral and polar, at codon 16 of the POMGNT1 protein (p.Arg16Gln). This variant is present in population databases (no rsID available, gnomAD 0.0009%). This variant has not been reported in the literature in individuals affected with POMGNT1-related conditions. ClinVar contains an entry for this variant (Variation ID: 2198954). Invitae Evidence Modeling of protein sequence and biophysical properties (such as structural, functional, and spatial information, amino acid conservation, physicochemical variation, residue mobility, and thermodynamic stability) indicates that this missense variant is not expected to disrupt POMGNT1 protein function with a negative predictive value of 95%. In summary, the available evidence is currently insufficient to determine the role of this variant in disease. Therefore, it has been classified as a Variant of Uncertain Significance.

NM_017739.4(POMGNT1):c.47G>A (p.Arg16Gln)

Gene: POMGNT1 (protein O-linked mannose N-acetylglucosaminyltransferase 1 (beta 1,2-); minus strand). Cytogenetic location: 1p34.1.
Variant type: single nucleotide variant.
Coding change: c.47G>A on transcript NM_017739.4 (MANE Select); coding-DNA position 47, G replaced by A.
Protein change: p.Arg16Gln; replaces arginine 16 with glutamine.
Molecular consequence: missense variant.
Genome position (GRCh38, 1-based): chr1:46,197,775, C>T on the plus strand (G>A on the coding strand, the complement: POMGNT1 is on the minus strand). VCF-style: chr1-46197775-C-T. GRCh37 (hg19) VCF-style: chr1-46663447-C-T.
Other names: c.47G>A, p.Arg16Gln (NM_001243766.2, NM_001410783.1); short protein forms R16Q.
Identifiers: ClinVar variation 2198954 (VCV002198954.4), dbSNP rs1402978979, ClinGen allele CA340193058.